The following is an entry in ClinVar:

NM_003072.5(SMARCA4):c.4430G>C (p.Ser1477Thr)

Gene: SMARCA4 (SWI/SNF related BAF chromatin remodeling complex subunit ATPase 4; plus strand). Cytogenetic location: 19p13.2.
Variant type: single nucleotide variant.
Coding change: c.4430G>C on transcript NM_003072.5 (MANE Select); coding-DNA position 4430, G replaced by C.
Protein change: p.Ser1477Thr; replaces serine 1477 with threonine.
Molecular consequence: missense variant. On other transcripts: non-coding transcript variant (1).
Genome position (GRCh38, 1-based): chr19:11,058,260, G>C. VCF-style: chr19-11058260-G-C. GRCh37 (hg19) VCF-style: chr19-11168936-G-C.
Other names: c.4430G>C, p.Ser1477Thr (NM_001128844.3); c.4340G>C, p.Ser1447Thr (NM_001128845.2); c.4337G>C, p.Ser1446Thr (NM_001128846.2); c.4331G>C, p.Ser1444Thr (NM_001128847.4, NM_001374457.1); c.4328G>C, p.Ser1443Thr (NM_001128848.2); c.4526G>C, p.Ser1509Thr (NM_001128849.3, NM_001387283.1); short protein forms S1444T, S1477T, S1446T, S1509T, S1443T, S1447T.
Identifiers: ClinVar variation 648396 (VCV000648396.13), dbSNP rs770592452, ClinGen allele CA9204747.

ClinVar aggregate classification (germline): Uncertain significance. Review status: criteria provided, multiple submitters, no conflicts (2 of 4 stars). 2 submissions from 2 submitters: Uncertain significance (2). Last evaluated 2025-08-09.

Conditions:
Hereditary cancer-predisposing syndrome. Also called: Neoplastic Syndromes, Hereditary; Tumor predisposition; Hereditary Cancer Syndrome; Hereditary neoplastic syndrome. Identifiers: Orphanet 140162, MedGen C0027672, MeSH D009386, MONDO:0015356.
Rhabdoid tumor predisposition syndrome 2 (RTPS2). Identifiers: Orphanet 231108, Orphanet 69077, MedGen C2750074, MONDO:0013224, OMIM 613325.

gnomAD v4.1: 3 of 1,611,778 alleles (0.00019%); highest among the groups gnomAD compares: South Asian, 0.0033%; no homozygotes.

Submissions (2):

Labcorp Genetics (formerly Invitae), Labcorp
Classification: Uncertain significance for Rhabdoid tumor predisposition syndrome 2. Last evaluated: 2025-08-09. Review status: criteria provided, single submitter. Criteria: Invitae Variant Classification Sherloc (09022015). Collection method: clinical testing. Allele origin: germline.
Comment: This sequence change replaces serine, which is neutral and polar, with threonine, which is neutral and polar, at codon 1509 of the SMARCA4 protein (p.Ser1509Thr). This variant is not present in population databases (gnomAD no frequency). This variant has not been reported in the literature in individuals affected with SMARCA4-related conditions. ClinVar contains an entry for this variant (Variation ID: 648396). Invitae Evidence Modeling of protein sequence and biophysical properties (such as structural, functional, and spatial information, amino acid conservation, physicochemical variation, residue mobility, and thermodynamic stability) indicates that this missense variant is not expected to disrupt SMARCA4 protein function with a negative predictive value of 95%. In summary, the available evidence is currently insufficient to determine the role of this variant in disease. Therefore, it has been classified as a Variant of Uncertain Significance.

Ambry Genetics
Classification: Uncertain significance for Hereditary cancer-predisposing syndrome. Last evaluated: 2022-03-02. Review status: criteria provided, single submitter. Criteria: Ambry Variant Classification Scheme 2023. Collection method: clinical testing. Allele origin: germline.
Comment: The p.S1509T variant (also known as c.4526G>C), located in coding exon 31 of the SMARCA4 gene, results from a G to C substitution at nucleotide position 4526. The serine at codon 1509 is replaced by threonine, an amino acid with similar properties. This amino acid position is well conserved in available vertebrate species. In addition, this alteration is predicted to be tolerated by in silico analysis. Missense and in-frame variants in SMARCA4 are known to cause neurodevelopmental disorders; however, such associations with rhabdoid tumor predisposition syndrome including small cell carcinoma of the ovary-hypercalcemic type (SCCOHT) are exceedingly rare (Kosho T et al. Am J Med Genet C Semin Med Genet. 2014 Sep;166C(3):262-75; Jelinic P et al. Nat Genet. 2014 May;46(5):424-6). Based on the supporting evidence, the association of this alteration with Coffin-Siris syndrome is unknown; however, the association of this alteration with rhabdoid tumor predisposition syndrome is unlikely.